The following is an entry in ClinVar:

NM_002047.4(GARS1):c.37C>T (p.Arg13Cys)

Gene: GARS1 (glycyl-tRNA synthetase 1; plus strand). Cytogenetic location: 7p14.3.
Variant type: single nucleotide variant.
Coding change: c.37C>T on transcript NM_002047.4 (MANE Select); coding-DNA position 37, C replaced by T.
Protein change: p.Arg13Cys; replaces arginine 13 with cysteine.
Molecular consequence: missense variant. On other transcripts: 5 prime UTR variant (1).
Genome position (GRCh38, 1-based): chr7:30,594,958, C>T. VCF-style: chr7-30594958-C-T. GRCh37 (hg19) VCF-style: chr7-30634574-C-T.
Other names: c.-126C>T (NM_001316772.1); short protein forms R13C.
Identifiers: ClinVar variation 1059724 (VCV001059724.11), dbSNP rs1467460367, ClinGen allele CA367138432.

ClinVar aggregate classification (germline): Uncertain significance. Review status: criteria provided, multiple submitters, no conflicts (2 of 4 stars). 2 submissions from 2 submitters: Uncertain significance (2). Last evaluated 2024-08-12.

Conditions:
Charcot-Marie-Tooth disease type 2. Also called: Charcot-Marie-Tooth type 2. Identifiers: Orphanet 64746, MedGen C0270914, MONDO:0018993.

Allele frequency attached by ClinVar (database versions not stated): gnomAD 0.00001; TOPMed below 0.00001.
gnomAD v4.1: 4 of 1,595,772 alleles (0.00025%); highest among the groups gnomAD compares: Non-Finnish European, 0.00034%; no homozygotes.

Submissions (2):

Labcorp Genetics (formerly Invitae), Labcorp
Classification: Uncertain significance for Charcot-Marie-Tooth disease type 2. Last evaluated: 2024-08-12. Review status: criteria provided, single submitter. Criteria: Invitae Variant Classification Sherloc (09022015). Collection method: clinical testing. Allele origin: germline.
Comment: This sequence change replaces arginine, which is basic and polar, with cysteine, which is neutral and slightly polar, at codon 13 of the GARS protein (p.Arg13Cys). This variant is not present in population databases (gnomAD no frequency). This variant has not been reported in the literature in individuals affected with GARS-related conditions. ClinVar contains an entry for this variant (Variation ID: 1059724). Advanced modeling of protein sequence and biophysical properties (such as structural, functional, and spatial information, amino acid conservation, physicochemical variation, residue mobility, and thermodynamic stability) performed at Invitae indicates that this missense variant is not expected to disrupt GARS protein function with a negative predictive value of 95%. In summary, the available evidence is currently insufficient to determine the role of this variant in disease. Therefore, it has been classified as a Variant of Uncertain Significance.

Ambry Genetics
Classification: Uncertain significance. Last evaluated: 2021-05-25. Review status: criteria provided, single submitter. Criteria: Ambry Variant Classification Scheme 2023. Collection method: clinical testing. Allele origin: germline.
Comment: The p.R13C variant (also known as c.37C>T), located in coding exon 1 of the GARS gene, results from a C to T substitution at nucleotide position 37. The arginine at codon 13 is replaced by cysteine, an amino acid with highly dissimilar properties. This amino acid position is not well conserved in available vertebrate species. In addition, this alteration is predicted to be tolerated by in silico analysis. Since supporting evidence is limited at this time, the clinical significance of this alteration remains unclear.